The following is an entry in ClinVar:

NM_001060.6(TBXA2R):c.476C>A (p.Ala159Asp)

Gene: TBXA2R (thromboxane A2 receptor; minus strand). Cytogenetic location: 19p13.3.
Variant type: single nucleotide variant.
Coding change: c.476C>A on transcript NM_001060.6 (MANE Select); coding-DNA position 476, C replaced by A.
Protein change: p.Ala159Asp; replaces alanine 159 with aspartic acid.
Molecular consequence: missense variant.
Genome position (GRCh38, 1-based): chr19:3,600,159, G>T on the plus strand (C>A on the coding strand, the complement: TBXA2R is on the minus strand). VCF-style: chr19-3600159-G-T. GRCh37 (hg19) VCF-style: chr19-3600157-G-T.
Other names: c.476C>A, p.Ala159Asp (NM_201636.3); short protein forms A159D.
Identifiers: ClinVar variation 3665701 (VCV003665701.2).

ClinVar aggregate classification (germline): Uncertain significance (1 of 4 stars; one submission).

Submission:

Labcorp Genetics (formerly Invitae), Labcorp
Classification: Uncertain significance. Last evaluated: 2025-11-28. Review status: criteria provided, single submitter. Criteria: Invitae Variant Classification Sherloc (09022015). Collection method: clinical testing. Allele origin: germline.
Comment: This sequence change replaces alanine, which is neutral and non-polar, with aspartic acid, which is acidic and polar, at codon 159 of the TBXA2R protein (p.Ala159Asp). This variant is present in population databases (no rsID available, gnomAD no frequency). This variant has not been reported in the literature in individuals affected with TBXA2R-related conditions. ClinVar contains an entry for this variant (Variation ID: 3665701). Invitae Evidence Modeling of protein sequence and biophysical properties (such as structural, functional, and spatial information, amino acid conservation, physicochemical variation, residue mobility, and thermodynamic stability) indicates that this missense variant is expected to disrupt TBXA2R protein function with a positive predictive value of 80%. In summary, the available evidence is currently insufficient to determine the role of this variant in disease. Therefore, it has been classified as a Variant of Uncertain Significance.